The following is an entry in ClinVar:

ClinVar aggregate classification (germline): Conflicting classifications of pathogenicity. Review status: criteria provided, conflicting classifications (1 of 4 stars). 2 submissions from 2 submitters: Likely pathogenic (1); Uncertain significance (1). Last evaluated 2025-08-20.

Conditions:
Congenital microcephaly - severe encephalopathy - progressive cerebral atrophy syndrome. Also called: ASNS DEFICIENCY; Asparagine synthetase deficiency. Identifiers: Orphanet 391376, MedGen C3809971, MONDO:0014258, OMIM 615574.

Allele frequency attached by ClinVar (database versions not stated): gnomAD exomes below 0.00001 and 0.00001; gnomAD 0.00001.
gnomAD v4.1: 4 of 1,613,210 alleles (0.00025%); highest among the groups gnomAD compares: Non-Finnish European, 0.00034%; no homozygotes.

Submissions (2):

Myriad Genetics, Inc.
Classification: Uncertain significance for Congenital microcephaly - severe encephalopathy - progressive cerebral atrophy syndrome. Last evaluated: 2025-08-20. Review status: criteria provided, single submitter. Criteria: Myriad Autosomal Dominant, Autosomal Recessive and X-Linked Classification Criteria (2023). Collection method: clinical testing. Allele origin: unknown.
Comment: NM_001673.4(ASNS):c.1279T>C(S427P) is a missense variant classified as a variant of uncertain significance in the context of asparagine synthetase deficiency. S427P has not been observed in cases with relevant disease. Relevant functional assessments of this variant are not available in the literature. S427P has been observed in referenced population frequency databases. In summary, there is insufficient evidence to classify NM_001673.4(ASNS):c.1279T>C(S427P) as pathogenic or benign. Please note: this variant was assessed in the context of healthy population screening.

GeneDx
Classification: Likely pathogenic. Last evaluated: 2016-11-21. Review status: criteria provided, single submitter. Criteria: GeneDx Variant Classification (06012015). Collection method: clinical testing. Allele origin: germline. Affected: yes.
Comment: The S427P variant in the ASNS gene has not been reported previously as a pathogenic variant, nor as a benign variant, to our knowledge. This variant is not observed in large population cohorts (Lek et al., 2016; McVean et al., 2012; Exome Variant Server) The S427P variant is a non-conservative amino acid substitution that occurs at a position that is conserved across species. In silico analysis predicts this variant is probably damaging to the protein structure/function. The S427P variant is a strong candidate for a pathogenic variant, however the possibility it may be a rare benign variant cannot be excluded.

NM_001673.5(ASNS):c.1279T>C (p.Ser427Pro)

Genes: ASNS (asparagine synthetase (glutamine-hydrolyzing); minus strand), CZ1P-ASNS (CZ1P-ASNS readthrough; minus strand). Cytogenetic location: 7q21.3.
Variant type: single nucleotide variant.
Coding change: c.1279T>C on transcript NM_001673.5 (MANE Select); coding-DNA position 1279, T replaced by C.
Protein change: p.Ser427Pro; replaces serine 427 with proline.
Molecular consequence: missense variant. On other transcripts: non-coding transcript variant (1).
Genome position (GRCh38, 1-based): chr7:97,853,346, A>G on the plus strand (T>C on the coding strand, the complement: ASNS is on the minus strand). VCF-style: chr7-97853346-A-G. GRCh37 (hg19) VCF-style: chr7-97482658-A-G.
Other names: c.1279T>C, p.Ser427Pro (NM_133436.3, NM_001352496.2, NM_183356.4); c.1216T>C, p.Ser406Pro (NM_001178075.2); c.1030T>C, p.Ser344Pro (NM_001178076.2, NM_001178077.1); short protein forms S427P, S344P, S406P.
Identifiers: ClinVar variation 373307 (VCV000373307.2), dbSNP rs1057518341, ClinGen allele CA16042617.